The following is an entry in ClinVar:

ClinVar aggregate classification (germline): Pathogenic (1 of 4 stars; one submission).

Conditions:
Hereditary breast ovarian cancer syndrome. Also called: Hereditary breast and/or ovarian cancer syndrome; Hereditary breast and ovarian cancer syndrome; Breast and ovarian cancer; Hereditary breast and ovarian cancer syndrome (HBOC); BRCA1- and BRCA2-Associated Hereditary Breast and Ovarian Cancer; Hereditary breast and ovarian cancer. Identifiers: Orphanet 145, MedGen C0677776, MeSH D061325, MONDO:0003582. Disease mechanism: loss of function.

Submission:

Labcorp Genetics (formerly Invitae), Labcorp
Classification: Pathogenic for Hereditary breast ovarian cancer syndrome. Last evaluated: 2025-10-11. Review status: criteria provided, single submitter. Criteria: Invitae Variant Classification Sherloc (09022015). Collection method: clinical testing. Allele origin: germline.
Comment: This sequence change creates a premature translational stop signal (p.Ala314Serfs*6) in the BRCA1 gene. It is expected to result in an absent or disrupted protein product. Loss-of-function variants in BRCA1 are known to be pathogenic (PMID: 20104584). This variant is not present in population databases (gnomAD no frequency). This variant has not been reported in the literature in individuals affected with BRCA1-related conditions. For these reasons, this variant has been classified as Pathogenic.

Literature cited by the submitters: PubMed 20104584.

NM_007294.4(BRCA1):c.935dup (p.Ala314fs)

Gene: BRCA1 (BRCA1 DNA repair associated; minus strand). Cytogenetic location: 17q21.31.
Variant type: Duplication.
Coding change: c.935dup on transcript NM_007294.4 (MANE Select); coding-DNA position 935, one base duplicated (G; older notation c.935dupG).
Protein change: p.Ala314fs; shifts the reading frame from alanine 314.
Molecular consequence: frameshift variant. On other transcripts: intron variant (137).
Genome position (GRCh38, 1-based): chr17:43,094,596, C duplicated on the plus strand (G on the coding strand, the reverse complement: BRCA1 is on the minus strand); the first of 2 consecutive C bases (chr17:43,094,596-43,094,597); duplicating either gives the same sequence. VCF-style (leftmost placement, unchanged base first): chr17-43094595-G-GC. GRCh37 (hg19) VCF-style: chr17-41246612-G-GC.
Other names: c.932dup, p.Ala313fs (NM_001407860.1, NM_001407861.1, NM_001407587.1 and 22 more transcripts); c.734dup, p.Ala247fs (NM_001407862.1); c.812dup, p.Ala273fs (NM_001407863.1, NM_001407648.1, NM_001407664.1 and 19 more transcripts); c.731dup, p.Ala246fs (NM_001407874.1, NM_001407875.1); c.725dup, p.Ala244fs (NM_001407884.1, NM_001407881.1, NM_001407879.1 and 13 more transcripts); c.722dup, p.Ala243fs (NM_001407571.1, NM_001407853.1, NM_001407894.1 and 9 more transcripts); c.935dup, p.Ala314fs (NM_001407581.1, NM_001407582.1, NM_001407583.1 and 30 more transcripts); c.926dup, p.Ala311fs (NM_001407646.1, NM_001407647.1); and 40 more; short protein forms A226fs, A244fs, A272fs, A313fs, A186fs, A247fs, A266fs, A267fs.
Identifiers: ClinVar variation 4726142 (VCV004726142.1).
Genomic context (GRCh38, chr17:43,094,595, plus strand): 5'-CCGCCTATCATTACATGTTTCCTTACTTCCAGCCCATCTGTTATGTTGGCTCCTTGCTAA[G>GC]CCAGGCTGTTTGCTTTTATTACAGAATTCAGCCTTTTCTACATTCATTCTGTCTTTAGTG-3'